The following is an entry in ClinVar:

ClinVar aggregate classification (germline): Uncertain significance. Review status: reviewed by expert panel (3 of 4 stars). 3 submissions from 3 submitters: Uncertain significance (1). 2 of the submissions do not count toward it. Last evaluated 2024-10-29.

Conditions:
Inborn genetic diseases. Identifiers: MedGen C0950123, MeSH D030342.
Hereditary thrombocytopenia and hematologic cancer predisposition syndrome. Identifiers: Orphanet 71290, MedGen CN281654, MONDO:0011071.
Hereditary thrombocytopenia and hematological cancer predisposition syndrome associated with RUNX1. Also called: PLATELET DISORDER, ASPIRIN-LIKE; Familial Platelet Disorder with Propensity to Acute Myelogenous Leukemia; Familial thrombocytopenia with propensity to acute myelogenous leukemia; RUNX1 Familial Platelet Disorder with Associated Myeloid Malignancies. Identifiers: Orphanet 71290, MedGen C1832388, MeSH C563324, MONDO:0100083, OMIM 601399.

Allele frequency attached by ClinVar (database versions not stated): gnomAD exomes below 0.00001; gnomAD 0.00001.

Submissions (3):

ClinGen Myeloid Malignancy Variant Curation Expert Panel
Classification: Uncertain significance for Hereditary thrombocytopenia and hematologic cancer predisposition syndrome. Last evaluated: 2024-10-29. Review status: reviewed by expert panel. Criteria: ClinGen MyeloMalig ACMG Specifications v2. Collection method: curation. Allele origin: germline. Inheritance: Autosomal dominant inheritance.
Comment: NM_001754.5(RUNX1):c.1261G>A (p.Gly421Ser) is a missense variant which has a REVEL score < 0.50 (0.45) and a SpliceAI score ≤ 0.20 (0.0) (BP4). In summary, the clinical significance of this variant is uncertain. ACMG/AMP criteria applied, as specified by the Myeloid Malignancy Variant Curation Expert Panel for RUNX1: BP4.

Ambry Genetics
Classification: Uncertain significance for Inborn genetic diseases. Last evaluated: 2024-12-21. Review status: criteria provided, single submitter. Criteria: Ambry Variant Classification Scheme 2023. Collection method: clinical testing. Allele origin: germline. Not counted in ClinVar's aggregate classification.
Comment: The p.G421S variant (also known as c.1261G>A), located in coding exon 8 of the RUNX1 gene, results from a G to A substitution at nucleotide position 1261. The glycine at codon 421 is replaced by serine, an amino acid with similar properties. This amino acid position is conserved. In addition, this alteration is predicted to be tolerated by in silico analysis. Based on the available evidence, the clinical significance of this variant remains unclear.

Labcorp Genetics (formerly Invitae), Labcorp
Classification: Uncertain significance for Hereditary thrombocytopenia and hematological cancer predisposition syndrome associated with RUNX1. Last evaluated: 2023-05-22. Review status: criteria provided, single submitter. Criteria: Invitae Variant Classification Sherloc (09022015). Collection method: clinical testing. Allele origin: germline. Not counted in ClinVar's aggregate classification.
Comment: In summary, the available evidence is currently insufficient to determine the role of this variant in disease. Therefore, it has been classified as a Variant of Uncertain Significance. Advanced modeling of protein sequence and biophysical properties (such as structural, functional, and spatial information, amino acid conservation, physicochemical variation, residue mobility, and thermodynamic stability) performed at Invitae indicates that this missense variant is not expected to disrupt RUNX1 protein function. ClinVar contains an entry for this variant (Variation ID: 937462). This variant has not been reported in the literature in individuals affected with RUNX1-related conditions. This variant is present in population databases (no rsID available, gnomAD 0.01%). This sequence change replaces glycine, which is neutral and non-polar, with serine, which is neutral and polar, at codon 421 of the RUNX1 protein (p.Gly421Ser).

NM_001754.5(RUNX1):c.1261G>A (p.Gly421Ser)

Gene: RUNX1 (RUNX family transcription factor 1; minus strand). Cytogenetic location: 21q22.12.
Variant type: single nucleotide variant.
Coding change: c.1261G>A on transcript NM_001754.5 (MANE Select); coding-DNA position 1261, G replaced by A.
Protein change: p.Gly421Ser; replaces glycine 421 with serine.
Molecular consequence: missense variant.
Genome position (GRCh38, 1-based): chr21:34,792,317, C>T on the plus strand (G>A on the coding strand, the complement: RUNX1 is on the minus strand). VCF-style: chr21-34792317-C-T. GRCh37 (hg19) VCF-style: chr21-36164614-C-T.
Other names: NM_001754.5(RUNX1):c.1261G>A; p.Gly421Ser; c.1180G>A, p.Gly394Ser (NM_001001890.3); short protein forms G394S, G421S.
Identifiers: ClinVar variation 937462 (VCV000937462.9), dbSNP rs1241678655, ClinGen allele CA410147609.